The following is an entry in ClinVar:

ClinVar aggregate classification (germline): Uncertain significance (1 of 4 stars; one submission).

gnomAD v4.1: 7 of 1,614,078 alleles (0.00043%); highest among the groups gnomAD compares: Non-Finnish European, 0.00059%; no homozygotes.

Submission:

Ambry Genetics
Classification: Uncertain significance. Last evaluated: 2025-04-11. Review status: criteria provided, single submitter. Criteria: Ambry Variant Classification Scheme 2023. Collection method: clinical testing. Allele origin: germline.
Comment: The p.S268C variant (also known as c.802A>T), located in coding exon 1 of the CDK12 gene, results from an A to T substitution at nucleotide position 802. The serine at codon 268 is replaced by cysteine, an amino acid with dissimilar properties. This amino acid position is conserved. In addition, this alteration is predicted to be tolerated by in silico analysis. Based on the available evidence, the clinical significance of this variant remains unclear.

NM_016507.4(CDK12):c.802A>T (p.Ser268Cys)

Genes: CDK12 (cyclin dependent kinase 12; plus strand), LOC126862553 (CDK7 strongly-dependent group 2 enhancer GRCh37_chr17:37618166-37619365; plus strand). Cytogenetic location: 17q12.
Variant type: single nucleotide variant.
Coding change: c.802A>T on transcript NM_016507.4 (MANE Select); coding-DNA position 802, A replaced by T.
Protein change: p.Ser268Cys; replaces serine 268 with cysteine.
Molecular consequence: missense variant.
Genome position (GRCh38, 1-based): chr17:39,462,873, A>T. VCF-style: chr17-39462873-A-T. GRCh37 (hg19) VCF-style: chr17-37619126-A-T.
Other names: c.802A>T, p.Ser268Cys (NM_015083.4); short protein forms S268C.
Identifiers: ClinVar variation 3999339 (VCV003999339.1).